The following is an entry in ClinVar:

ClinVar aggregate classification (germline): Uncertain significance. Review status: criteria provided, single submitter (1 of 4 stars). 3 submissions from 2 submitters: Uncertain significance (2). 1 of the submissions does not count toward it. Last evaluated 2018-01-12.

Conditions:
PRKAR1A-related disorder. Also called: PRKAR1A-related condition.
Carney complex, type 1 (CNC1). Also called: CARNEY COMPLEX, TYPE I; CARNEY MYXOMA-ENDOCRINE COMPLEX. Identifiers: Orphanet 1359, MedGen C2607929, MONDO:0008057, OMIM 160980.
Acrodysostosis 1 with or without hormone resistance (ACRDYS1). Also called: ACRODYSOSTOSIS WITH HORMONE RESISTANCE; ACRODYSOSTOSIS 1 WITH HORMONE RESISTANCE; ACRODYSOSTOSIS 1 WITHOUT HORMONE RESISTANCE. Identifiers: Orphanet 280651, MedGen C3276228, MONDO:0007044, OMIM 101800.

Allele frequency attached by ClinVar (database versions not stated): TOPMed 0.00014; 1000 Genomes Project 30x 0.00016; gnomAD 0.00053 and 0.00057; gnomAD exomes 0.00078.
gnomAD v4.1: 82 of 154,822 alleles (0.053%); highest among the groups gnomAD compares: Non-Finnish European, 0.034%; no homozygotes.

Submissions (3):

Illumina Laboratory Services, Illumina
Classification: Uncertain significance for Acrodysostosis 1 with or without hormone resistance. Last evaluated: 2018-01-12. Review status: criteria provided, single submitter. Criteria: ICSL Variant Classification Criteria 13 December 2019. Collection method: clinical testing. Allele origin: germline.

Illumina Laboratory Services, Illumina
Classification: Uncertain significance for Carney complex, type 1. Last evaluated: 2018-01-12. Review status: criteria provided, single submitter. Criteria: ICSL Variant Classification Criteria 13 December 2019. Collection method: clinical testing. Allele origin: germline.

PreventionGenetics, part of Exact Sciences
Classification: Likely benign for PRKAR1A-related condition. Last evaluated: 2019-09-23. Review status: no assertion criteria provided. Collection method: clinical testing. Allele origin: germline. Not counted in ClinVar's aggregate classification.
Comment: This variant is classified as likely benign based on ACMG/AMP sequence variant interpretation guidelines (Richards et al. 2015 PMID: 25741868, with internal and published modifications).

NM_002734.5(PRKAR1A):c.-16C>A

Gene: PRKAR1A (protein kinase cAMP-dependent type I regulatory subunit alpha; plus strand). Cytogenetic location: 17q24.2.
Variant type: single nucleotide variant.
Coding change: c.-16C>A on transcript NM_002734.5 (MANE Select); 16 bases upstream of the start codon, C replaced by A.
Molecular consequence: 5 prime UTR variant. On other transcripts: intron variant (3).
Genome position (GRCh38, 1-based): chr17:68,512,539, C>A. VCF-style: chr17-68512539-C-A. GRCh37 (hg19) VCF-style: chr17-66508680-C-A.
Other names: c.-149C>A (NM_001276289.2); c.-47C>A (NM_212472.2); c.-6-2855C>A (NM_001278433.2); c.-140+397C>A (NM_001369389.1); c.-7+397C>A (NM_212471.3).
Identifiers: ClinVar variation 324779 (VCV000324779.7), dbSNP rs886053305, ClinGen allele CA10649935.
Genomic context (GRCh38, chr17:68,512,539, plus strand): 5'-AGCGCTGAGGGAGCTCGGTACGCCGCCGCCTCGCACCCGCAGCCTCGCGCCCGCCGCCGC[C>A]CGTCCCCAGGTGAGTGGGGTCGGCCGGGGGCTCAGGCGAGGTGAGCTTCGTCGCTTCGCA-3'